The following is an entry in ClinVar:

ClinVar aggregate classification (germline): Uncertain significance. Review status: criteria provided, multiple submitters, no conflicts (2 of 4 stars). 4 submissions from 4 submitters: Uncertain significance (4). Last evaluated 2025-04-08.

Conditions:
Achondroplasia (ACH). Also called: Achondroplastic dwarfism. Identifiers: Orphanet 15, MedGen C0001080, MONDO:0007037, OMIM 100800. Disease mechanism: gain of function.
Levy-Hollister syndrome (LADD). Also called: LADD syndrome. Identifiers: Orphanet 2363, MedGen C0265269, MONDO:0007872.
Hypochondroplasia (HCH). Identifiers: Orphanet 429, MedGen C0410529, MONDO:0007793, OMIM 146000. Disease mechanism: gain of function.
Epidermal nevus. Also called: NEVUS, KERATINOCYTIC, NONEPIDERMOLYTIC; Nevus, epidermal, somatic. Identifiers: Orphanet 79414, MedGen C0334082, MONDO:0008093, OMIM 162900, HP:0010816.
Camptodactyly-tall stature-scoliosis-hearing loss syndrome. Also called: CATSHL SYNDROME. Identifiers: Orphanet 85164, MedGen C1864852, MONDO:0012504, OMIM 610474.
Cervical cancer. Also called: Cervix cancer; Cervical cancer, somatic; Cancer of cervix. Identifiers: MedGen C4048328, MONDO:0002974, OMIM 603956, HP:0030079.
Crouzon syndrome-acanthosis nigricans syndrome. Also called: CROUZONODERMOSKELETAL SYNDROME. Identifiers: Orphanet 93262, MedGen C2677099, MONDO:0012833, OMIM 612247.
Thanatophoric dysplasia type 1 (TD1). Also called: Thanatophoric Dysplasia Type 1 (TD Type 1); PLATYSPONDYLIC LETHAL SKELETAL DYSPLASIA, SAN DIEGO TYPE; LETHAL SHORT-LIMBED PLATYSPONDYLIC DWARFISM, SAN DIEGO TYPE. Identifiers: Orphanet 1860, Orphanet 2655, MedGen C1868678, MONDO:0008546, OMIM 187600. Disease mechanism: gain of function.
Thanatophoric dysplasia, type 2 (TD2). Also called: Thanatophoric Dysplasia Type 2 (TD Type 2); CLOVERLEAF SKULL WITH THANATOPHORIC DWARFISM; THANATOPHORIC DYSPLASIA WITH KLEEBLATTSCHAEDEL; THANATOPHORIC DYSPLASIA WITH STRAIGHT FEMURS AND CLOVERLEAF SKULL. Identifiers: Orphanet 2655, Orphanet 93274, MedGen C1300257, MONDO:0008547, OMIM 187601. Disease mechanism: gain of function.
Severe achondroplasia-developmental delay-acanthosis nigricans syndrome. Also called: Severe achondroplasia with developmental delay and acanthosis nigricans; SADDAN dysplasia. Identifiers: Orphanet 85165, MedGen C2674173, MONDO:0014658, OMIM 616482.
Germ cell tumor of testis (TGCT). Also called: GERM CELL TUMOR, SOMATIC; Testicular germ cell tumor. Identifiers: Orphanet 363504, MedGen C1336708, MONDO:0010108, OMIM 273300.
Colorectal cancer. Also called: Colorectal cancer, somatic; Malignant Colorectal Neoplasm. Identifiers: MedGen C0346629, MONDO:0005575, OMIM 114500.
Malignant tumor of urinary bladder. Also called: Urinary Bladder Neoplasms; Bladder cancer; Urinary bladder cancer. Identifiers: MedGen C0005684, MONDO:0001187, OMIM 109800.
Muenke syndrome (MNKES). Also called: MUENKE NONSYNDROMIC CORONAL CRANIOSYNOSTOSIS. Identifiers: Orphanet 53271, MedGen C1864436, MONDO:0011274, OMIM 602849.

Allele frequency attached by ClinVar (database versions not stated): gnomAD 0.00001.
gnomAD v4.1: 22 of 1,613,082 alleles (0.0014%); highest among the groups gnomAD compares: Non-Finnish European, 0.0019%; no homozygotes.

Submissions (4):

Labcorp Genetics (formerly Invitae), Labcorp
Classification: Uncertain significance. Last evaluated: 2025-04-08. Review status: criteria provided, single submitter. Criteria: Invitae Variant Classification Sherloc (09022015). Collection method: clinical testing. Allele origin: germline.
Comment: This sequence change replaces aspartic acid, which is acidic and polar, with glycine, which is neutral and non-polar, at codon 516 of the FGFR3 protein (p.Asp516Gly). This variant is not present in population databases (gnomAD no frequency). This variant has not been reported in the literature in individuals affected with FGFR3-related conditions. ClinVar contains an entry for this variant (Variation ID: 1310646). Invitae Evidence Modeling of protein sequence and biophysical properties (such as structural, functional, and spatial information, amino acid conservation, physicochemical variation, residue mobility, and thermodynamic stability) has been performed for this missense variant. However, the output from this modeling did not meet the statistical confidence thresholds required to predict the impact of this variant on FGFR3 protein function. In summary, the available evidence is currently insufficient to determine the role of this variant in disease. Therefore, it has been classified as a Variant of Uncertain Significance.

Fulgent Genetics
Classification: Uncertain significance for Achondroplasia; Malignant tumor of urinary bladder; Colorectal cancer; Hypochondroplasia; LADD syndrome 1; Epidermal nevus; Thanatophoric dysplasia type 1; Thanatophoric dysplasia, type 2; Germ cell tumor of testis; Muenke syndrome; Cervical cancer; Camptodactyly-tall stature-scoliosis-hearing loss syndrome; Crouzon syndrome-acanthosis nigricans syndrome; Severe achondroplasia-developmental delay-acanthosis nigricans syndrome. Last evaluated: 2022-01-05. Review status: criteria provided, single submitter. Criteria: ACMG Guidelines, 2015. Collection method: clinical testing. Allele origin: unknown.

Mayo Clinic Laboratories, Mayo Clinic
Classification: Uncertain significance. Last evaluated: 2021-07-20. Review status: criteria provided, single submitter. Criteria: ACMG Guidelines, 2015. Collection method: clinical testing. Allele origin: germline.

GeneDx
Classification: Uncertain significance. Last evaluated: 2019-11-29. Review status: criteria provided, single submitter. Criteria: GeneDx Variant Classification Process June 2021. Collection method: clinical testing. Allele origin: germline. Affected: yes.
Comment: Not observed in large population cohorts (Lek et al., 2016); In silico analysis, which includes protein predictors and evolutionary conservation, supports a deleterious effect; Has not been previously published as pathogenic or benign to our knowledge

NM_000142.5(FGFR3):c.1547A>G (p.Asp516Gly)

Gene: FGFR3 (fibroblast growth factor receptor 3; plus strand). Cytogenetic location: 4p16.3.
Variant type: single nucleotide variant.
Coding change: c.1547A>G on transcript NM_000142.5 (MANE Select); coding-DNA position 1547, A replaced by G.
Protein change: p.Asp516Gly; replaces aspartic acid 516 with glycine.
Molecular consequence: missense variant. On other transcripts: non-coding transcript variant (1).
Genome position (GRCh38, 1-based): chr4:1,805,571, A>G. VCF-style: chr4-1805571-A-G. GRCh37 (hg19) VCF-style: chr4-1807298-A-G.
Other names: p.Asp516Gly; c.1553A>G, p.Asp518Gly (NM_001163213.2); c.1550A>G, p.Asp517Gly (NM_001354809.2, NM_001354810.2); c.1211A>G, p.Asp404Gly (NM_022965.4); short protein forms D404G, D516G, D517G, D518G.
Identifiers: ClinVar variation 1310646 (VCV001310646.8), dbSNP rs772276122, ClinGen allele CA91256690.